The following is an entry in ClinVar:

NM_018429.3(BDP1):c.5200G>A (p.Ala1734Thr)

Gene: BDP1 (BDP1 general transcription factor IIIB subunit; plus strand). Cytogenetic location: 5q13.2.
Variant type: single nucleotide variant.
Coding change: c.5200G>A on transcript NM_018429.3 (MANE Select); coding-DNA position 5200, G replaced by A.
Protein change: p.Ala1734Thr; replaces alanine 1734 with threonine.
Molecular consequence: missense variant.
Genome position (GRCh38, 1-based): chr5:71,522,762, G>A. VCF-style: chr5-71522762-G-A. GRCh37 (hg19) VCF-style: chr5-70818589-G-A.
Other names: short protein forms A1734T.
Identifiers: ClinVar variation 3133633 (VCV003133633.2), dbSNP rs755984815, ClinGen allele CA3296891.
Genomic context (GRCh38, chr5:71,522,762, plus strand): 5'-TAACATAGAGATTGTTTCTGTAGTAATACTAGCTAATTTCTTCTTAAATTTAAGGAAAAA[G>A]CTGAGCTTCTGACATCTCTGGAGGTTTCAGCAAGAAAAGATTGTGTAGGTTCCAAAGAGT-3'
Protein context (NP_060899.2, residues 1724-1744): SNTQLLLKEK[Ala1734Thr]ELLTSLEVSA

ClinVar aggregate classification (germline): Conflicting classifications of pathogenicity. Review status: criteria provided, conflicting classifications (1 of 4 stars). 2 submissions from 2 submitters: Uncertain significance (1); Likely benign (1). Last evaluated 2026-03-03.

Conditions:
BDP1-related disorder. Also called: BDP1-related condition.

Allele frequency attached by ClinVar (database versions not stated): ExAC 0.00003; gnomAD 0.00011; TOPMed 0.00028.
gnomAD v4.1: 44 of 1,583,332 alleles (0.0028%); highest among the groups gnomAD compares: Admixed American, 0.04%; no homozygotes.

Submissions (2):

PreventionGenetics, part of Exact Sciences
Classification: Uncertain significance for BDP1-related condition. Last evaluated: 2026-03-03. Review status: criteria provided, single submitter. Criteria: ACMG Guidelines, 2015. Collection method: clinical testing. Allele origin: germline.
Comment: The BDP1 c.5200G>A variant is predicted to result in the amino acid substitution p.Ala1734Thr. To our knowledge, this variant has not been reported in the literature. This variant is reported in 0.0019% of alleles in individuals of European (Non-Finnish) descent in gnomAD. At this time, the clinical significance of this variant is uncertain due to the absence of conclusive functional and genetic evidence.

Ambry Genetics
Classification: Likely benign. Last evaluated: 2023-11-14. Review status: criteria provided, single submitter. Criteria: Ambry Variant Classification Scheme 2023. Collection method: clinical testing. Allele origin: germline.